The following is an entry in ClinVar:

ClinVar aggregate classification (germline): Likely benign (1 of 4 stars; one submission).

Submission:

CeGaT Center for Human Genetics Tuebingen
Classification: Likely benign. Last evaluated: 2026-08-01. Review status: criteria provided, single submitter. Criteria: CeGaT Center For Human Genetics Tuebingen Variant Classification Criteria Version 2. Collection method: clinical testing. Allele origin: germline. Affected: yes. Observed: 1 variant allele.
Comment: TRIM28: BP4, BP7

NM_005762.3(TRIM28):c.1128C>G (p.Leu376=)

Gene: TRIM28 (tripartite motif containing 28; plus strand). Cytogenetic location: 19q13.43.
Variant type: single nucleotide variant.
Coding change: c.1128C>G on transcript NM_005762.3 (MANE Select); coding-DNA position 1128, C replaced by G.
Protein change: p.Leu376=; no amino-acid change (leucine 376 retained).
Molecular consequence: synonymous variant.
Genome position (GRCh38, 1-based): chr19:58,548,320, C>G. VCF-style: chr19-58548320-C-G. GRCh37 (hg19) VCF-style: chr19-59059687-C-G.
Identifiers: ClinVar variation 5039274 (VCV005039274.1).
Genomic context (GRCh38, chr19:58,548,320, plus strand): 5'-TGCTCATTCTTTCCTCCCTTTCACTCCCAACCAGATCTACTTCCAGCTGCACCGGGCCCT[C>G]AAGATGATTGTGGATCCCGTGGAGCCACATGGCGAGATGAAGTTTCAGTGGGACCTCAAT-3'
Protein context (NP_005753.1, residues 366-386): KLIYFQLHRA[Leu376=]KMIVDPVEPH